The following is an entry in ClinVar:

ClinVar aggregate classification (germline): Uncertain significance. Review status: criteria provided, multiple submitters, no conflicts (2 of 4 stars). 5 submissions from 5 submitters: Uncertain significance (5). Last evaluated 2025-12-22.

Conditions:
Familial ovarian cancer. Identifiers: MedGen C5679802, MONDO:0016248.
Hereditary cancer-predisposing syndrome. Also called: Neoplastic Syndromes, Hereditary; Hereditary neoplastic syndrome; Tumor predisposition; Hereditary Cancer Syndrome. Identifiers: Orphanet 140162, MedGen C0027672, MeSH D009386, MONDO:0015356.
Familial cancer of breast. Also called: Hereditary breast cancer; hereditary breast carcinoma; BREAST CANCER, FAMILIAL. Identifiers: Orphanet 227535, MedGen C0346153, MONDO:0016419, OMIM 114480. Disease mechanism: loss of function.
Fanconi anemia complementation group J. Also called: BRIP1-Related Fanconi Anemia. Identifiers: Orphanet 84, MedGen C1836860, MONDO:0012187, OMIM 609054.

Allele frequency attached by ClinVar (database versions not stated): gnomAD 0.00001; gnomAD exomes 0.00002 and below 0.00001; TOPMed 0.00002.
gnomAD v4.1: 26 of 1,613,576 alleles (0.0016%); highest among the groups gnomAD compares: Non-Finnish European, 0.0021%; no homozygotes.

Submissions (5):

Ambry Genetics
Classification: Uncertain significance for Hereditary cancer-predisposing syndrome. Last evaluated: 2025-12-22. Review status: criteria provided, single submitter. Criteria: Ambry Variant Classification Scheme 2023. Collection method: clinical testing. Allele origin: germline.
Comment: The p.N429T variant (also known as c.1286A>C), located in coding exon 8 of the BRIP1 gene, results from an A to C substitution at nucleotide position 1286. The asparagine at codon 429 is replaced by threonine, an amino acid with similar properties. This alteration was not detected in 64,523 breast cancer cases and was identified in a heterozygous state in 1/51,973 controls from 52 studies participating in the Breast Cancer Association Consortium (Easton DF et al. J Med Genet, 2016 05;53:298-309). This amino acid position is highly conserved in available vertebrate species. In addition, this alteration is predicted to be tolerated by in silico analysis. Since supporting evidence is limited at this time, the clinical significance of this alteration remains unclear.

Labcorp Genetics (formerly Invitae), Labcorp
Classification: Uncertain significance for Familial cancer of breast; Fanconi anemia complementation group J. Last evaluated: 2025-10-17. Review status: criteria provided, single submitter. Criteria: Invitae Variant Classification Sherloc (09022015). Collection method: clinical testing. Allele origin: germline.
Comment: This sequence change replaces asparagine, which is neutral and polar, with threonine, which is neutral and polar, at codon 429 of the BRIP1 protein (p.Asn429Thr). This variant is present in population databases (rs587781463, gnomAD 0.0009%). This variant has not been reported in the literature in individuals affected with BRIP1-related conditions. ClinVar contains an entry for this variant (Variation ID: 141059). Invitae Evidence Modeling of protein sequence and biophysical properties (such as structural, functional, and spatial information, amino acid conservation, physicochemical variation, residue mobility, and thermodynamic stability) has been performed for this missense variant. However, the output from this modeling did not meet the statistical confidence thresholds required to predict the impact of this variant on BRIP1 protein function. In summary, the available evidence is currently insufficient to determine the role of this variant in disease. Therefore, it has been classified as a Variant of Uncertain Significance.

Molecular Pathology, Peter Maccallum Cancer Centre
Classification: Uncertain significance for Familial ovarian cancer. Last evaluated: 2024-01-24. Review status: criteria provided, single submitter. Criteria: ACMG Guidelines, 2015. Collection method: clinical testing. Allele origin: germline. Inheritance: Autosomal dominant inheritance.

GeneDx
Classification: Uncertain significance. Last evaluated: 2023-11-06. Review status: criteria provided, single submitter. Criteria: GeneDx Variant Classification Process June 2021. Collection method: clinical testing. Allele origin: germline. Affected: yes.
Comment: Not observed at significant frequency in large population cohorts (gnomAD); In silico analysis supports that this missense variant has a deleterious effect on protein structure/function; Has not been previously published as pathogenic or benign to our knowledge; This variant is associated with the following publications: (PMID: 26921362, 26315354)

Color Diagnostics, LLC DBA Color Health
Classification: Uncertain significance for Hereditary cancer-predisposing syndrome. Last evaluated: 2022-12-13. Review status: criteria provided, single submitter. Criteria: ACMG Guidelines, 2015. Collection method: clinical testing. Allele origin: germline.
Comment: This missense variant replaces asparagine with threonine at codon 429 of the BRIP1 protein. Computational prediction suggests that this variant may not impact protein structure and function (internally defined REVEL score threshold <= 0.5, PMID: 27666373). To our knowledge, functional studies have not been reported for this variant. This variant has not been reported in individuals affected with hereditary cancer in the literature, although it has been observed in two unaffected individuals in breast and ovarian cancer case-control studies (PMID: 26315354, 26921362). This variant has been identified in 1/251212 chromosomes in the general population by the Genome Aggregation Database (gnomAD). The available evidence is insufficient to determine the role of this variant in disease conclusively. Therefore, this variant is classified as a Variant of Uncertain Significance.

Literature cited by the submitters: PubMed 26921362 (cited by Ambry Genetics and Color Diagnostics, LLC DBA Color Health); PubMed 26315354 (cited by Color Diagnostics, LLC DBA Color Health).

NM_032043.3(BRIP1):c.1286A>C (p.Asn429Thr)

Gene: BRIP1 (BRCA1 interacting DNA helicase 1; minus strand). Cytogenetic location: 17q23.2.
Variant type: single nucleotide variant.
Coding change: c.1286A>C on transcript NM_032043.3 (MANE Select); coding-DNA position 1286, A replaced by C.
Protein change: p.Asn429Thr; replaces asparagine 429 with threonine.
Molecular consequence: missense variant.
Genome position (GRCh38, 1-based): chr17:61,799,154, T>G on the plus strand (A>C on the coding strand, the complement: BRIP1 is on the minus strand). VCF-style: chr17-61799154-T-G. GRCh37 (hg19) VCF-style: chr17-59876515-T-G.
Other names: short protein forms N429T.
Identifiers: ClinVar variation 141059 (VCV000141059.25), dbSNP rs587781463, ClinGen allele CA164347.